The following is an entry in ClinVar:

NM_001374259.2(IL12RB2):c.150_153dup (p.Ser52fs)

Gene: IL12RB2 (interleukin 12 receptor subunit beta 2; plus strand). Cytogenetic location: 1p31.3.
Variant type: Duplication.
Coding change: c.150_153dup on transcript NM_001374259.2 (MANE Select); coding-DNA positions 150 to 153, 4 bases duplicated (ATGC; older notation c.150_153dupATGC).
Protein change: p.Ser52fs; shifts the reading frame from serine 52.
Molecular consequence: frameshift variant. On other transcripts: non-coding transcript variant (2).
Genome position (GRCh38, 1-based): chr1:67,321,675-67,321,678, ATGC duplicated; duplicating any 4 consecutive bases within chr1:67,321,674-67,321,678 gives the same sequence; the c. name uses the placement nearest the transcript's 3' end. VCF-style (leftmost placement, unchanged base first): chr1-67321673-A-ACATG. GRCh37 (hg19) VCF-style: chr1-67787356-A-ACATG.
Other names: c.150_153dup, p.Ser52fs (NM_001258214.1, NM_001258215.1, NM_001258216.1 and 2 more transcripts); short protein forms S52fs.
Identifiers: ClinVar variation 1983391 (VCV001983391.4), dbSNP rs1268877276, ClinGen allele CA523509071.

ClinVar aggregate classification (germline): Uncertain significance (1 of 4 stars; one submission).

Submission:

Labcorp Genetics (formerly Invitae), Labcorp
Classification: Uncertain significance. Last evaluated: 2023-04-03. Review status: criteria provided, single submitter. Criteria: Invitae Variant Classification Sherloc (09022015). Collection method: clinical testing. Allele origin: germline.
Comment: In summary, the available evidence is currently insufficient to determine the role of this variant in disease. Therefore, it has been classified as a Variant of Uncertain Significance. ClinVar contains an entry for this variant (Variation ID: 1983391). This sequence change creates a premature translational stop signal (p.Ser52Metfs*16) in the IL12RB2 gene. It is expected to result in an absent or disrupted protein product. However, the current clinical and genetic evidence is not sufficient to establish whether loss-of-function variants in IL12RB2 cause disease. This variant is present in population databases (no rsID available, gnomAD 0.002%). This variant has not been reported in the literature in individuals affected with IL12RB2-related conditions.